The following is an entry in ClinVar:

NM_020944.3(GBA2):c.1724G>A (p.Arg575Gln)

Gene: GBA2 (glucosylceramidase beta 2; minus strand). Cytogenetic location: 9p13.3.
Variant type: single nucleotide variant.
Coding change: c.1724G>A on transcript NM_020944.3 (MANE Select); coding-DNA position 1724, G replaced by A.
Protein change: p.Arg575Gln; replaces arginine 575 with glutamine.
Molecular consequence: missense variant.
Genome position (GRCh38, 1-based): chr9:35,739,073, C>T on the plus strand (G>A on the coding strand, the complement: GBA2 is on the minus strand). VCF-style: chr9-35739073-C-T. GRCh37 (hg19) VCF-style: chr9-35739070-C-T.
Other names: c.1724G>A, p.Arg575Gln (NM_001330660.2); short protein forms R575Q.
Identifiers: ClinVar variation 964809 (VCV000964809.7), dbSNP rs754998392, ClinGen allele CA5050301.

ClinVar aggregate classification (germline): Uncertain significance. Review status: criteria provided, multiple submitters, no conflicts (2 of 4 stars). 2 submissions from 2 submitters: Uncertain significance (2). Last evaluated 2025-08-31.

Conditions:
Spastic paraplegia. Identifiers: MedGen C0037772, HP:0001258.
Inborn genetic diseases. Identifiers: MedGen C0950123, MeSH D030342.

Allele frequency attached by ClinVar (database versions not stated): gnomAD 0.00001; TOPMed 0.00001; gnomAD exomes 0.00002; ExAC 0.00004.
gnomAD v4.1: 31 of 1,612,652 alleles (0.0019%); highest among the groups gnomAD compares: South Asian, 0.021%; no homozygotes.

Submissions (2):

Ambry Genetics
Classification: Uncertain significance for Inborn genetic diseases. Last evaluated: 2025-08-31. Review status: criteria provided, single submitter. Criteria: Ambry Variant Classification Scheme 2023. Collection method: clinical testing. Allele origin: germline.

Labcorp Genetics (formerly Invitae), Labcorp
Classification: Uncertain significance for Spastic paraplegia. Last evaluated: 2022-07-25. Review status: criteria provided, single submitter. Criteria: Invitae Variant Classification Sherloc (09022015). Collection method: clinical testing. Allele origin: germline.
Comment: This sequence change replaces arginine, which is basic and polar, with glutamine, which is neutral and polar, at codon 575 of the GBA2 protein (p.Arg575Gln). This variant is present in population databases (rs754998392, gnomAD 0.01%). This variant has not been reported in the literature in individuals affected with GBA2-related conditions. ClinVar contains an entry for this variant (Variation ID: 964809). Algorithms developed to predict the effect of missense changes on protein structure and function output the following: SIFT: "Tolerated"; PolyPhen-2: "Benign"; Align-GVGD: "Class C0". The glutamine amino acid residue is found in multiple mammalian species, which suggests that this missense change does not adversely affect protein function. In summary, the available evidence is currently insufficient to determine the role of this variant in disease. Therefore, it has been classified as a Variant of Uncertain Significance.